The following is an entry in ClinVar:

ClinVar aggregate classification (germline): Uncertain significance (1 of 4 stars; one submission).

Conditions:
PKHD1-related disorder. Also called: PKHD1-related condition.

Submission:

PreventionGenetics, part of Exact Sciences
Classification: Uncertain significance for PKHD1-related condition. Last evaluated: 2026-05-11. Review status: criteria provided, single submitter. Criteria: ACMG Guidelines, 2015. Collection method: clinical testing. Allele origin: germline.
Comment: The PKHD1 c.8687T>C variant is predicted to result in the amino acid substitution p.Ile2896Thr. To our knowledge, this variant has not been reported in the literature or in a large population database (gnomAD), indicating this variant is rare. At this time, the clinical significance of this variant is uncertain due to the absence of conclusive functional and genetic evidence.

NM_138694.4(PKHD1):c.8687T>C (p.Ile2896Thr)

Gene: PKHD1 (PKHD1 ciliary IPT domain containing fibrocystin/polyductin; minus strand). Cytogenetic location: 6p12.3.
Variant type: single nucleotide variant.
Coding change: c.8687T>C on transcript NM_138694.4 (MANE Select); coding-DNA position 8687, T replaced by C.
Protein change: p.Ile2896Thr; replaces isoleucine 2896 with threonine.
Molecular consequence: missense variant.
Genome position (GRCh38, 1-based): chr6:51,754,894, A>G on the plus strand (T>C on the coding strand, the complement: PKHD1 is on the minus strand). VCF-style: chr6-51754894-A-G. GRCh37 (hg19) VCF-style: chr6-51619692-A-G.
Other names: c.8687T>C, p.Ile2896Thr (NM_170724.3); short protein forms I2896T.
Identifiers: ClinVar variation 4987689 (VCV004987689.1).